The following is an entry in ClinVar:

NM_032730.5(RTN4IP1):c.120C>A (p.Ser40Arg)

Gene: RTN4IP1 (reticulon 4 interacting protein 1; minus strand). Cytogenetic location: 6q21.
Variant type: single nucleotide variant.
Coding change: c.120C>A on transcript NM_032730.5 (MANE Select); coding-DNA position 120, C replaced by A.
Protein change: p.Ser40Arg; replaces serine 40 with arginine.
Molecular consequence: missense variant. On other transcripts: intron variant (1).
Genome position (GRCh38, 1-based): chr6:106,628,902, G>T on the plus strand (C>A on the coding strand, the complement: RTN4IP1 is on the minus strand). VCF-style: chr6-106628902-G-T. GRCh37 (hg19) VCF-style: chr6-107076777-G-T.
Other names: c.-27+1425C>A (NM_001318746.1); short protein forms S40R.
Identifiers: ClinVar variation 2108969 (VCV002108969.4), dbSNP rs994688101, ClinGen allele CA145001241.
Genomic context (GRCh38, chr6:106,628,902, plus strand): 5'-AGTGAATCGAAGCACTTCATTCTTCCCATATTTATCTATCACCCAAGCAGGCATGACAGT[G>T]CTCCTAGGAGAGGTAGTACTAATCCTTCTAACTGAAGGCTTTTGGACAACTTTGCTTCTC-3'
Protein context (NP_116119.2, residues 30-50): VRRISTTSPR[Ser40Arg]TVMPAWVIDK

ClinVar aggregate classification (germline): Uncertain significance (1 of 4 stars; one submission).

Submission:

Labcorp Genetics (formerly Invitae), Labcorp
Classification: Uncertain significance. Last evaluated: 2022-05-21. Review status: criteria provided, single submitter. Criteria: Invitae Variant Classification Sherloc (09022015). Collection method: clinical testing. Allele origin: germline.
Comment: In summary, the available evidence is currently insufficient to determine the role of this variant in disease. Therefore, it has been classified as a Variant of Uncertain Significance. Algorithms developed to predict the effect of missense changes on protein structure and function (SIFT, PolyPhen-2, Align-GVGD) all suggest that this variant is likely to be tolerated. This variant has not been reported in the literature in individuals affected with RTN4IP1-related conditions. This variant is not present in population databases (gnomAD no frequency). This sequence change replaces serine, which is neutral and polar, with arginine, which is basic and polar, at codon 40 of the RTN4IP1 protein (p.Ser40Arg).